The following is an entry in ClinVar:

NM_024700.4(SNIP1):c.430C>T (p.Arg144Trp)

Genes: SNIP1 (Smad nuclear interacting protein 1; minus strand), LOC126805704 (BRD4-independent group 4 enhancer GRCh37_chr1:38005292-38006491; plus strand). Cytogenetic location: 1p34.3.
Variant type: single nucleotide variant.
Coding change: c.430C>T on transcript NM_024700.4 (MANE Select); coding-DNA position 430, C replaced by T.
Protein change: p.Arg144Trp; replaces arginine 144 with tryptophan.
Molecular consequence: missense variant.
Genome position (GRCh38, 1-based): chr1:37,540,653, G>A on the plus strand (C>T on the coding strand, the complement: SNIP1 is on the minus strand). VCF-style: chr1-37540653-G-A. GRCh37 (hg19) VCF-style: chr1-38006254-G-A.
Other names: c.430C>T (NM_024700.2); short protein forms R144W.
Identifiers: ClinVar variation 1385234 (VCV001385234.7), dbSNP rs143428642, ClinGen allele CA771332.
Genomic context (GRCh38, chr1:37,540,653, plus strand): 5'-CCTGACCCTGCCCACTCCCAGGCCTCTCGTTAGACGTTCTCCTTTGGTGGGAATGGCCCC[G>A]GTGTCTGTCCCGGTCACTGTTCCTAGCTCTCCTGTGTTCCTGTTCTGATGGTTCCCTGTG-3'
Protein context (NP_078976.2, residues 134-154): RARNSDRDRH[Arg144Trp]GHSHQRRTSN

ClinVar aggregate classification (germline): Uncertain significance. Review status: criteria provided, multiple submitters, no conflicts (2 of 4 stars). 2 submissions from 2 submitters: Uncertain significance (2). Last evaluated 2025-08-10.

Allele frequency attached by ClinVar (database versions not stated): ExAC 0.00007; gnomAD exomes 0.00007; gnomAD 0.00019 and 0.00020; TOPMed 0.00023; ESP Exome Variant Server 0.00038.
gnomAD v4.1: 83 of 1,614,066 alleles (0.0051%); highest among the groups gnomAD compares: African/African-American, 0.067%; no homozygotes.

Submissions (2):

Ambry Genetics
Classification: Uncertain significance. Last evaluated: 2025-08-10. Review status: criteria provided, single submitter. Criteria: Ambry Variant Classification Scheme 2023. Collection method: clinical testing. Allele origin: germline.

Labcorp Genetics (formerly Invitae), Labcorp
Classification: Uncertain significance. Last evaluated: 2025-01-23. Review status: criteria provided, single submitter. Criteria: Invitae Variant Classification Sherloc (09022015). Collection method: clinical testing. Allele origin: germline.
Comment: This sequence change replaces arginine, which is basic and polar, with tryptophan, which is neutral and slightly polar, at codon 144 of the SNIP1 protein (p.Arg144Trp). This variant is present in population databases (rs143428642, gnomAD 0.06%), and has an allele count higher than expected for a pathogenic variant. This variant has not been reported in the literature in individuals affected with SNIP1-related conditions. ClinVar contains an entry for this variant (Variation ID: 1385234). Invitae Evidence Modeling of protein sequence and biophysical properties (such as structural, functional, and spatial information, amino acid conservation, physicochemical variation, residue mobility, and thermodynamic stability) indicates that this missense variant is expected to disrupt SNIP1 protein function with a positive predictive value of 80%. In summary, the available evidence is currently insufficient to determine the role of this variant in disease. Therefore, it has been classified as a Variant of Uncertain Significance.